The following is an entry in ClinVar:

ClinVar aggregate classification (germline): Pathogenic (1 of 4 stars; one submission).

Conditions:
Glycogen storage disease, type V (GSD5). Also called: MCARDLE DISEASE; MUSCLE GLYCOGEN PHOSPHORYLASE DEFICIENCY; MYOPHOSPHORYLASE DEFICIENCY; PYGM DEFICIENCY; McArdle type glycogen storage disease. Identifiers: Orphanet 368, MedGen C0017924, MONDO:0009293, OMIM 232600.

Submission:

Myriad Genetics, Inc.
Classification: Pathogenic for Glycogen storage disease, type V. Last evaluated: 2023-09-27. Review status: criteria provided, single submitter. Criteria: Myriad Autosomal Dominant, Autosomal Recessive and X-Linked Classification Criteria (2023). Collection method: clinical testing. Allele origin: unknown.
Comment: NM_005609.2(PYGM):c.1153dupC(L385Pfs*90) is expected to be pathogenic in the context of glycogen storage disease, PYGM-related. This variant is predicted to lead to an abnormal or absent protein product due to the creation of a premature termination codon in PYGM, a gene where loss-of-function variants are known to be pathogenic. Please note: this variant was assessed in the context of healthy population screening.

NM_005609.4(PYGM):c.1153dup (p.Leu385fs)

Gene: PYGM (glycogen phosphorylase, muscle associated; minus strand). Cytogenetic location: 11q13.1.
Variant type: Duplication.
Coding change: c.1153dup on transcript NM_005609.4 (MANE Select); coding-DNA position 1153, one base duplicated (C; older notation c.1153dupC).
Protein change: p.Leu385fs; shifts the reading frame from leucine 385.
Molecular consequence: frameshift variant.
Genome position (GRCh38, 1-based): chr11:64,753,965, G duplicated on the plus strand (C on the coding strand, the reverse complement: PYGM is on the minus strand); the first of 3 consecutive G bases (chr11:64,753,965-64,753,967); duplicating any one gives the same sequence. VCF-style (leftmost placement, unchanged base first): chr11-64753964-A-AG. GRCh37 (hg19) VCF-style: chr11-64521436-A-AG.
Other names: c.889dup, p.Leu297fs (NM_001164716.1); short protein forms L297fs, L385fs.
Identifiers: ClinVar variation 5011770 (VCV005011770.1).